The following is an entry in ClinVar:

ClinVar aggregate classification (germline): Benign/Likely benign. Review status: criteria provided, multiple submitters, no conflicts (2 of 4 stars). 6 submissions from 6 submitters: Benign (2); Likely benign (4). Last evaluated 2026-08-01.

Allele frequency attached by ClinVar (database versions not stated): ESP Exome Variant Server 0.00023; TOPMed 0.00043; gnomAD exomes 0.00062 and 0.00086; ExAC 0.00090; gnomAD 0.00094 and 0.00100.
gnomAD v4.1: 1,028 of 1,613,474 alleles (0.064%); highest among the groups gnomAD compares: Non-Finnish European, 0.062%; 3 homozygotes.

Submissions (6):

CeGaT Center for Human Genetics Tuebingen
Classification: Likely benign. Last evaluated: 2026-08-01. Review status: criteria provided, single submitter. Criteria: CeGaT Center For Human Genetics Tuebingen Variant Classification Criteria Version 2. Collection method: clinical testing. Allele origin: germline. Affected: yes. Observed: 14 variant alleles.
Comment: C1S: BP4, BP7

Women's Health and Genetics/Laboratory Corporation of America, LabCorp
Classification: Likely benign. Last evaluated: 2026-06-29. Review status: criteria provided, single submitter. Criteria: LabCorp Variant Classification Summary - May 2015. Collection method: clinical testing. Allele origin: germline.

Labcorp Genetics (formerly Invitae), Labcorp
Classification: Benign. Last evaluated: 2026-01-26. Review status: criteria provided, single submitter. Criteria: Invitae Variant Classification Sherloc (09022015). Collection method: clinical testing. Allele origin: germline.

Laboratory of Genetics, Children's Clinical University Hospital Latvia
Classification: Likely benign. Last evaluated: 2025-02-16. Review status: criteria provided, single submitter. Criteria: ACMG Guidelines, 2015. Collection method: clinical testing. Allele origin: germline. Affected: yes.

Blueprint Genetics
Classification: Likely benign. Last evaluated: 2024-11-15. Review status: criteria provided, single submitter. Criteria: ACMG Guidelines, 2015. Collection method: clinical testing. Allele origin: germline.

Mayo Clinic Laboratories, Mayo Clinic
Classification: Benign. Last evaluated: 2024-06-18. Review status: criteria provided, single submitter. Criteria: ACMG Guidelines, 2015. Collection method: clinical testing. Allele origin: germline. Observed: 2 variant alleles.
Comment: BS1, BS2, BP4, BP7

NM_001734.5(C1S):c.1218C>T (p.Asn406=)

Gene: C1S (complement C1s; plus strand). Cytogenetic location: 12p13.31.
Variant type: single nucleotide variant.
Coding change: c.1218C>T on transcript NM_001734.5 (MANE Select); coding-DNA position 1218, C replaced by T.
Protein change: p.Asn406=; no amino-acid change (asparagine 406 retained).
Molecular consequence: synonymous variant.
Genome position (GRCh38, 1-based): chr12:7,068,478, C>T. VCF-style: chr12-7068478-C-T. GRCh37 (hg19) VCF-style: chr12-7175782-C-T.
Other names: p.Asn406=; c.717C>T, p.Asn239= (NM_001346850.2); c.1218C>T, p.Asn406= (NM_201442.4).
Identifiers: ClinVar variation 755753 (VCV000755753.53), dbSNP rs138733003, ClinGen allele CA6423729.